The following is an entry in ClinVar:

ClinVar aggregate classification (germline): Uncertain significance (1 of 4 stars; one submission).

Conditions:
Dyskeratosis congenita, autosomal dominant 2. Identifiers: MedGen C3151443, MONDO:0013521, OMIM 613989.
Idiopathic Pulmonary Fibrosis. Also called: Idiopathic fibrosing alveolitis, chronic form; idiopathic fibrosing alveolitis. Identifiers: Orphanet 2032, MedGen C1800706, MeSH D054990, MONDO:0800504.

Submission:

Labcorp Genetics (formerly Invitae), Labcorp
Classification: Uncertain significance for Dyskeratosis congenita, autosomal dominant 2; Idiopathic Pulmonary Fibrosis. Last evaluated: 2023-09-05. Review status: criteria provided, single submitter. Criteria: Invitae Variant Classification Sherloc (09022015). Collection method: clinical testing. Allele origin: germline.
Comment: In summary, the available evidence is currently insufficient to determine the role of this variant in disease. Therefore, it has been classified as a Variant of Uncertain Significance. Advanced modeling of protein sequence and biophysical properties (such as structural, functional, and spatial information, amino acid conservation, physicochemical variation, residue mobility, and thermodynamic stability) performed at Invitae indicates that this missense variant is expected to disrupt TERT protein function. This variant has not been reported in the literature in individuals affected with TERT-related conditions. This variant is not present in population databases (gnomAD no frequency). This sequence change replaces threonine, which is neutral and polar, with lysine, which is basic and polar, at codon 1111 of the TERT protein (p.Thr1111Lys).

NM_198253.3(TERT):c.3332C>A (p.Thr1111Lys)

Gene: TERT (telomerase reverse transcriptase; minus strand). Cytogenetic location: 5p15.33.
Variant type: single nucleotide variant.
Coding change: c.3332C>A on transcript NM_198253.3 (MANE Select); coding-DNA position 3332, C replaced by A.
Protein change: p.Thr1111Lys; replaces threonine 1111 with lysine.
Molecular consequence: missense variant. On other transcripts: non-coding transcript variant (2).
Genome position (GRCh38, 1-based): chr5:1,253,795, G>T on the plus strand (C>A on the coding strand, the complement: TERT is on the minus strand). VCF-style: chr5-1253795-G-T. GRCh37 (hg19) VCF-style: chr5-1253910-G-T.
Other names: c.3143C>A, p.Thr1048Lys (NM_001193376.3); c.3332C>A, p.Thr1111Lys (NM_003219.1); short protein forms T1111K, T1048K.
Identifiers: ClinVar variation 2941189 (VCV002941189.3), dbSNP rs370686937, ClinGen allele CA359066774.
Genomic context (GRCh38, chr5:1,253,795, plus strand): 5'-AGGATGGTCTTGAAGTCTGAGGGCAGTGCCGGGTTGGCTGCGGCCTCCAGGGCAGTCAGC[G>T]TCGTCCCCGGGAGCTTCCGACTCAGCTGCGTCTGGGCTGCGGGGCCAAAATCAGACTCCG-3'
Protein context (NP_937983.2, residues 1101-1121): TQLSRKLPGT[Thr1111Lys]LTALEAAANP